The following is an entry in ClinVar:

ClinVar aggregate classification (germline): Uncertain significance. Review status: criteria provided, multiple submitters, no conflicts (2 of 4 stars). 4 submissions from 4 submitters: Uncertain significance (3). 1 of the submissions does not count toward it. Last evaluated 2024-08-01.

Conditions:
Inborn genetic diseases. Identifiers: MedGen C0950123, MeSH D030342.
Charcot-Marie-Tooth disease axonal type 2C (HMSN2C). Also called: CHARCOT-MARIE-TOOTH DISEASE, AXONAL, AUTOSOMAL DOMINANT, TYPE 2C; Charcot-Marie-Tooth Neuropathy Type 2C; Charcot-Marie-Tooth Disease Type 2, TRPV4-Related (CMT2C). Identifiers: Orphanet 99937, MedGen C1853710, MONDO:0011633, OMIM 606071.

Allele frequency attached by ClinVar (database versions not stated): ExAC 0.00002; TOPMed 0.00002; gnomAD exomes 0.00004 and 0.00001; gnomAD 0.00001.
gnomAD v4.1: 65 of 1,613,754 alleles (0.004%); highest among the groups gnomAD compares: Non-Finnish European, 0.0051%; no homozygotes.

Submissions (4):

Labcorp Genetics (formerly Invitae), Labcorp
Classification: Uncertain significance for Charcot-Marie-Tooth disease axonal type 2C. Last evaluated: 2024-08-01. Review status: criteria provided, single submitter. Criteria: Invitae Variant Classification Sherloc (09022015). Collection method: clinical testing. Allele origin: germline.
Comment: This sequence change creates a premature translational stop signal (p.Trp733*) in the TRPV4 gene. It is expected to result in an absent or disrupted protein product. However, the current clinical and genetic evidence is not sufficient to establish whether loss-of-function variants in TRPV4 cause disease. This variant is present in population databases (rs200757159, gnomAD 0.004%). This premature translational stop signal has been observed in individual(s) with clinical features of hereditary motor neuropathy (PMID: 22851605). ClinVar contains an entry for this variant (Variation ID: 126476). In summary, the available evidence is currently insufficient to determine the role of this variant in disease. Therefore, it has been classified as a Variant of Uncertain Significance.

GeneDx
Classification: Uncertain significance. Last evaluated: 2020-09-04. Review status: criteria provided, single submitter. Criteria: GeneDx Variant Classification Process June 2021. Collection method: clinical testing. Allele origin: germline. Affected: yes.
Comment: Not observed in large population cohorts (Lek et al., 2016); Nonsense variant predicted to result in protein truncation or nonsense mediated decay in a gene for which loss-of-function is not a known mechanism of disease; This variant is associated with the following publications: (PMID: 24830047, 25737550, 22851605, 27698146)

Ambry Genetics
Classification: Uncertain significance for Inborn genetic diseases. Last evaluated: 2020-07-31. Review status: criteria provided, single submitter. Criteria: Ambry Variant Classification Scheme 2023. Collection method: clinical testing. Allele origin: germline.
Comment: The p.W733* variant (also known as c.2198G>A), located in coding exon 12 of the TRPV4 gene, results from a G to A substitution at nucleotide position 2198. This changes the amino acid from a tryptophan to a stop codon within coding exon 12. This variant was detected in the heterozygous state in one individual in an atherosclerosis cohort; however, clinical details were limited (Johnston JJ et al. Am. J. Hum. Genet., 2015 Jun;96:913-25). This variant was also detected in an individual with distal hereditary motor neuropathy (dHMN) and in an unaffected control individual; clinical details were limited (Fawcett KA et al. J. Neurol. Neurosurg. Psychiatry, 2012 Dec;83:1204-9). This alteration is expected to result in premature protein truncation or nonsense-mediated mRNA decay. However, loss of function of TRPV4 has not been clearly established as a mechanism of disease. Since supporting evidence is limited at this time, the clinical significance of this alteration remains unclear.

GeneReviews
No classification provided. Review status: no classification provided. Collection method: literature only. Allele origin: germline. Affected: yes. Not counted in ClinVar's aggregate classification.

Literature cited by the submitters: PubMed 22851605 (cited by Labcorp Genetics (formerly Invitae), Labcorp and Ambry Genetics); PubMed 26046366 (cited by Ambry Genetics); NCBI Bookshelf NBK201366 (cited by GeneReviews).

NM_021625.5(TRPV4):c.2198G>A (p.Trp733Ter)

Gene: TRPV4 (transient receptor potential cation channel subfamily V member 4; minus strand). Cytogenetic location: 12q24.11.
Variant type: single nucleotide variant.
Coding change: c.2198G>A on transcript NM_021625.5 (MANE Select); coding-DNA position 2198, G replaced by A.
Protein change: p.Trp733Ter; replaces tryptophan 733 with a stop codon.
Molecular consequence: nonsense.
Genome position (GRCh38, 1-based): chr12:109,788,410, C>T on the plus strand (G>A on the coding strand, the complement: TRPV4 is on the minus strand). VCF-style: chr12-109788410-C-T. GRCh37 (hg19) VCF-style: chr12-110226215-C-T.
Other names: c.2057G>A, p.Trp686Ter (NM_001177428.2); c.2096G>A, p.Trp699Ter (NM_001177431.2); c.1877G>A, p.Trp626Ter (NM_001177433.2); c.2018G>A, p.Trp673Ter (NM_147204.3); short protein forms W626*, W699*, W673*, W686*.
Identifiers: ClinVar variation 126476 (VCV000126476.15), dbSNP rs200757159, ClinGen allele CA347764.